The following is an entry in ClinVar:

ClinVar aggregate classification (germline): Uncertain significance. Review status: criteria provided, multiple submitters, no conflicts (2 of 4 stars). 2 submissions from 2 submitters: Uncertain significance (2). Last evaluated 2022-04-07.

Conditions:
Hereditary sensory and autonomic neuropathy type 1 (HSAN1). Also called: HSN Type I; Hereditary Sensory Neuropathy Type I; HSAN 1. Identifiers: Orphanet 36386, MedGen C0020071, MONDO:0018213.
Charcot-Marie-Tooth disease. Also called: Charcot-Marie-Tooth Neuropathy; Charcot-Marie-Tooth Hereditary Neuropathy. Identifiers: Orphanet 166, MedGen C0007959, MONDO:0015626.

Allele frequency attached by ClinVar (database versions not stated): TOPMed 0.00002.
gnomAD v4.1: 12 of 1,614,000 alleles (0.00074%); highest among the groups gnomAD compares: Non-Finnish European, 0.00093%; no homozygotes.

Submissions (2):

Labcorp Genetics (formerly Invitae), Labcorp
Classification: Uncertain significance for Hereditary sensory and autonomic neuropathy type 1. Last evaluated: 2022-04-07. Review status: criteria provided, single submitter. Criteria: Invitae Variant Classification Sherloc (09022015). Collection method: clinical testing. Allele origin: germline.
Comment: This sequence change replaces methionine, which is neutral and non-polar, with leucine, which is neutral and non-polar, at codon 214 of the SPTLC1 protein (p.Met214Leu). This variant is present in population databases (no rsID available, gnomAD 0.004%). This missense change has been observed in individual(s) with clinical features of Charcot-Marie-Tooth disease (PMID: 32376792). ClinVar contains an entry for this variant (Variation ID: 917293). Algorithms developed to predict the effect of missense changes on protein structure and function (SIFT, PolyPhen-2, Align-GVGD) all suggest that this variant is likely to be tolerated. In summary, the available evidence is currently insufficient to determine the role of this variant in disease. Therefore, it has been classified as a Variant of Uncertain Significance.

Molecular Genetics Laboratory, London Health Sciences Centre
Classification: Uncertain significance for Charcot-Marie-Tooth disease. Review status: criteria provided, single submitter. Criteria: ACMG Guidelines, 2015. Collection method: clinical testing. Allele origin: germline. Affected: yes.

Literature cited by the submitters: PubMed 32376792 (cited by Labcorp Genetics (formerly Invitae), Labcorp).

NM_006415.4(SPTLC1):c.640A>C (p.Met214Leu)

Gene: SPTLC1 (serine palmitoyltransferase long chain base subunit 1; minus strand). Cytogenetic location: 9q22.31.
Variant type: single nucleotide variant.
Coding change: c.640A>C on transcript NM_006415.4 (MANE Select); coding-DNA position 640, A replaced by C.
Protein change: p.Met214Leu; replaces methionine 214 with leucine.
Molecular consequence: missense variant.
Genome position (GRCh38, 1-based): chr9:92,059,229, T>G on the plus strand (A>C on the coding strand, the complement: SPTLC1 is on the minus strand). VCF-style: chr9-92059229-T-G. GRCh37 (hg19) VCF-style: chr9-94821511-T-G.
Other names: c.640A>C, p.Met214Leu (NM_001281303.2); c.274A>C, p.Met92Leu (NM_001368272.1); c.175A>C, p.Met59Leu (NM_001368273.1); short protein forms M214L, M59L, M92L.
Identifiers: ClinVar variation 917293 (VCV000917293.5), dbSNP rs781435924, ClinGen allele CA195395609.